The following is an entry in ClinVar:

ClinVar aggregate classification (germline): Uncertain significance (1 of 4 stars; one submission).

Submission:

GeneDx
Classification: Uncertain significance. Last evaluated: 2023-03-08. Review status: criteria provided, single submitter. Criteria: GeneDx Variant Classification Process June 2021. Collection method: clinical testing. Allele origin: germline.
Comment: Not observed at significant frequency in large population cohorts (gnomAD); In silico analysis supports that this missense variant has a deleterious effect on protein structure/function; Has not been previously published as pathogenic or benign to our knowledge

NM_015570.4(AUTS2):c.1363C>T (p.His455Tyr)

Gene: AUTS2 (activator of transcription and developmental regulator AUTS2; plus strand). Cytogenetic location: 7q11.22.
Variant type: single nucleotide variant.
Coding change: c.1363C>T on transcript NM_015570.4 (MANE Select); coding-DNA position 1363, C replaced by T.
Protein change: p.His455Tyr; replaces histidine 455 with tyrosine.
Molecular consequence: missense variant.
Genome position (GRCh38, 1-based): chr7:70,764,900, C>T. VCF-style: chr7-70764900-C-T. GRCh37 (hg19) VCF-style: chr7-70229886-C-T.
Other names: c.1363C>T, p.His455Tyr (NM_001127231.3); short protein forms H455Y.
Identifiers: ClinVar variation 2430795 (VCV002430795.2), dbSNP rs2484666090, ClinGen allele CA367668409.